The following is an entry in ClinVar:

NM_004656.4(BAP1):c.920G>A (p.Gly307Asp)

Gene: BAP1 (BRCA1 associated deubiquitinase 1; minus strand). Cytogenetic location: 3p21.1.
Variant type: single nucleotide variant.
Coding change: c.920G>A on transcript NM_004656.4 (MANE Select); coding-DNA position 920, G replaced by A.
Protein change: p.Gly307Asp; replaces glycine 307 with aspartic acid.
Molecular consequence: missense variant.
Genome position (GRCh38, 1-based): chr3:52,405,776, C>T on the plus strand (G>A on the coding strand, the complement: BAP1 is on the minus strand). VCF-style: chr3-52405776-C-T. GRCh37 (hg19) VCF-style: chr3-52439792-C-T.
Other names: short protein forms G307D.
Identifiers: ClinVar variation 1009987 (VCV001009987.5), dbSNP rs1705135897, ClinGen allele CA353106535.
Genomic context (GRCh38, chr3:52,405,776, plus strand): 5'-ATTAGCGGGTGGCTCTGAGGTCCACAAGAGGTCCCAAACCCCCCAGTACCTGTGTGGTTG[C>T]CCTCAGAGGCTGCAGGGGCCCTGTTTGCTTCCAGCACCAGCGGGGACTTGTTGCTGGCTG-3'
Protein context (NP_004647.1, residues 297-317): EANRAPAASE[Gly307Asp]NHTDGAEEAA

ClinVar aggregate classification (germline): Uncertain significance (1 of 4 stars; one submission).

Conditions:
BAP1-related tumor predisposition syndrome (TPDS1). Also called: TUMOR PREDISPOSITION SYNDROME 1; BAP1 tumor predisposition syndrome; Tumor susceptibility linked to germline BAP1 mutations; COMMON Syndrome. Identifiers: Orphanet 289539, MedGen C3280492, MONDO:0013692, OMIM 614327.

Allele frequency attached by ClinVar (database versions not stated): gnomAD exomes below 0.00001.
gnomAD v4.1: 1 of 1,613,204 alleles (0.000062%); highest among the groups gnomAD compares: Non-Finnish European, 0.000085%; no homozygotes.

Submission:

Labcorp Genetics (formerly Invitae), Labcorp
Classification: Uncertain significance for BAP1-related tumor predisposition syndrome. Last evaluated: 2023-07-17. Review status: criteria provided, single submitter. Criteria: Invitae Variant Classification Sherloc (09022015). Collection method: clinical testing. Allele origin: germline.
Comment: This sequence change replaces glycine, which is neutral and non-polar, with aspartic acid, which is acidic and polar, at codon 307 of the BAP1 protein (p.Gly307Asp). In summary, the available evidence is currently insufficient to determine the role of this variant in disease. Therefore, it has been classified as a Variant of Uncertain Significance. Advanced modeling of protein sequence and biophysical properties (such as structural, functional, and spatial information, amino acid conservation, physicochemical variation, residue mobility, and thermodynamic stability) performed at Invitae indicates that this missense variant is not expected to disrupt BAP1 protein function. ClinVar contains an entry for this variant (Variation ID: 1009987). This variant has not been reported in the literature in individuals affected with BAP1-related conditions. This variant is not present in population databases (gnomAD no frequency).